The following is an entry in ClinVar:

NM_001379500.1(COL18A1):c.1582G>A (p.Glu528Lys)

Gene: COL18A1 (collagen type XVIII alpha 1 chain; plus strand). Cytogenetic location: 21q22.3.
Variant type: single nucleotide variant.
Coding change: c.1582G>A on transcript NM_001379500.1 (MANE Select); coding-DNA position 1582, G replaced by A.
Protein change: p.Glu528Lys; replaces glutamic acid 528 with lysine.
Molecular consequence: missense variant.
Genome position (GRCh38, 1-based): chr21:45,480,829, G>A. VCF-style: chr21-45480829-G-A. GRCh37 (hg19) VCF-style: chr21-46900743-G-A.
Other names: c.2122G>A, p.Glu708Lys (NM_030582.4); c.2827G>A, p.Glu943Lys (NM_130444.3); short protein forms E708K, E943K, E528K.
Identifiers: ClinVar variation 1518997 (VCV001518997.3), dbSNP rs1271658589, ClinGen allele CA410517936.

ClinVar aggregate classification (germline): Uncertain significance (1 of 4 stars; one submission).

Allele frequency attached by ClinVar (database versions not stated): gnomAD exomes below 0.00001; TOPMed 0.00002; gnomAD 0.00004.
gnomAD v4.1: 19 of 1,611,512 alleles (0.0012%); highest among the groups gnomAD compares: African/African-American, 0.0053%; no homozygotes.

Submission:

Labcorp Genetics (formerly Invitae), Labcorp
Classification: Uncertain significance. Last evaluated: 2021-04-02. Review status: criteria provided, single submitter. Criteria: Invitae Variant Classification Sherloc (09022015). Collection method: clinical testing. Allele origin: germline.
Comment: This sequence change replaces glutamic acid with lysine at codon 528 of the COL18A1 protein (p.Glu528Lys). The glutamic acid residue is weakly conserved and there is a small physicochemical difference between glutamic acid and lysine. This variant is not present in population databases (ExAC no frequency). This variant has not been reported in the literature in individuals with COL18A1-related conditions. Experimental studies and prediction algorithms are not available or were not evaluated, and the functional significance of this variant is currently unknown. In summary, the available evidence is currently insufficient to determine the role of this variant in disease. Therefore, it has been classified as a Variant of Uncertain Significance.